The following is an entry in ClinVar:

NM_000277.3(PAH):c.71A>G (p.Tyr24Cys)

Gene: PAH (phenylalanine hydroxylase; minus strand). Cytogenetic location: 12q23.2.
Variant type: single nucleotide variant.
Coding change: c.71A>G on transcript NM_000277.3 (MANE Select); coding-DNA position 71, A replaced by G.
Protein change: p.Tyr24Cys; replaces tyrosine 24 with cysteine.
Molecular consequence: missense variant.
Genome position (GRCh38, 1-based): chr12:102,912,888, T>C on the plus strand (A>G on the coding strand, the complement: PAH is on the minus strand). VCF-style: chr12-102912888-T-C. GRCh37 (hg19) VCF-style: chr12-103306666-T-C.
Other names: c.71A>G, p.Tyr24Cys (NM_001354304.2); short protein forms Y24C.
Identifiers: ClinVar variation 458080 (VCV000458080.9), dbSNP rs539994406, ClinGen allele CA6749047.

ClinVar aggregate classification (germline): Uncertain significance. Review status: criteria provided, multiple submitters, no conflicts (2 of 4 stars). 3 submissions from 3 submitters: Uncertain significance (2). 1 of the submissions does not count toward it. Last evaluated 2022-01-26.

Conditions:
Phenylketonuria (PKU). Also called: Phenylketonuria (PKU); FOLLING DISEASE; OLIGOPHRENIA PHENYLPYRUVICA; Phenylketonurias. Identifiers: Orphanet 716, MedGen C0031485, MONDO:0009861, OMIM 261600. Disease mechanism: loss of function.

Allele frequency attached by ClinVar (database versions not stated): gnomAD 0.00003 and 0.00010; TOPMed 0.00002; 1000 Genomes Project 30x 0.00062; 1000 Genomes Project 0.00080.

Submissions (3):

Labcorp Genetics (formerly Invitae), Labcorp
Classification: Uncertain significance for Phenylketonuria. Last evaluated: 2022-01-26. Review status: criteria provided, single submitter. Criteria: Invitae Variant Classification Sherloc (09022015). Collection method: clinical testing. Allele origin: germline.
Comment: This sequence change replaces tyrosine, which is neutral and polar, with cysteine, which is neutral and slightly polar, at codon 24 of the PAH protein (p.Tyr24Cys). This variant is present in population databases (rs539994406, gnomAD 0.2%). This variant has not been reported in the literature in individuals affected with PAH-related conditions. ClinVar contains an entry for this variant (Variation ID: 458080). Advanced modeling of protein sequence and biophysical properties (such as structural, functional, and spatial information, amino acid conservation, physicochemical variation, residue mobility, and thermodynamic stability) performed at Invitae indicates that this missense variant is expected to disrupt PAH protein function. In summary, the available evidence is currently insufficient to determine the role of this variant in disease. Therefore, it has been classified as a Variant of Uncertain Significance.

Illumina Laboratory Services, Illumina
Classification: Uncertain significance for Phenylketonuria. Last evaluated: 2017-04-28. Review status: criteria provided, single submitter. Criteria: ICSL Variant Classification Criteria 13 December 2019. Collection method: clinical testing. Allele origin: germline.

Natera, Inc.
Classification: Uncertain significance for Phenylketonuria. Last evaluated: 2019-10-28. Review status: no assertion criteria provided. Collection method: clinical testing. Allele origin: germline. Not counted in ClinVar's aggregate classification.